The following is an entry in ClinVar:

NM_031308.4(EPPK1):c.3765C>T (p.Pro1255=)

Gene: EPPK1 (epiplakin 1; minus strand). Cytogenetic location: 8q24.3.
Variant type: single nucleotide variant.
Coding change: c.3765C>T on transcript NM_031308.4 (MANE Select); coding-DNA position 3765, C replaced by T.
Protein change: p.Pro1255=; no amino-acid change (proline 1255 retained).
Molecular consequence: synonymous variant.
Genome position (GRCh38, 1-based): chr8:143,869,489, G>A on the plus strand (C>T on the coding strand, the complement: EPPK1 is on the minus strand). VCF-style: chr8-143869489-G-A. GRCh37 (hg19) VCF-style: chr8-144943657-G-A.
Identifiers: ClinVar variation 3052306 (VCV003052306.2), dbSNP rs782729914, ClinGen allele CA4922692.

ClinVar aggregate classification (germline): Likely benign (0 of 4 stars; one submission).

Conditions:
EPPK1-related disorder. Also called: EPPK1-related condition.

Allele frequency attached by ClinVar (database versions not stated): gnomAD exomes 0.00001; TOPMed 0.00002; ExAC 0.00004.

Submission:

PreventionGenetics, part of Exact Sciences
Classification: Likely benign for EPPK1-related condition. Last evaluated: 2021-07-12. Review status: no assertion criteria provided. Collection method: clinical testing. Allele origin: germline.
Comment: This variant is classified as likely benign based on ACMG/AMP sequence variant interpretation guidelines (Richards et al. 2015 PMID: 25741868, with internal and published modifications).